The following is an entry in ClinVar:

NM_007294.4(BRCA1):c.3240G>T (p.Leu1080Phe)

Genes: BRCA1 (BRCA1 DNA repair associated; minus strand), LOC126862571 (BRD4-independent group 4 enhancer GRCh37_chr17:41243136-41244335; plus strand). Cytogenetic location: 17q21.31.
Variant type: single nucleotide variant.
Coding change: c.3240G>T on transcript NM_007294.4 (MANE Select); coding-DNA position 3240, G replaced by T.
Protein change: p.Leu1080Phe; replaces leucine 1080 with phenylalanine.
Molecular consequence: missense variant. On other transcripts: intron variant (137).
Genome position (GRCh38, 1-based): chr17:43,092,291, C>A on the plus strand (G>T on the coding strand, the complement: BRCA1 is on the minus strand). VCF-style: chr17-43092291-C-A. GRCh37 (hg19) VCF-style: chr17-41244308-C-A.
Other names: c.3117G>T, p.Leu1039Phe (NM_001407681.1, NM_001407682.1, NM_001407683.1 and 19 more transcripts); c.3240G>T, p.Leu1080Phe (NM_001407684.1, NM_001407854.1, NM_001407858.1 and 30 more transcripts); c.3114G>T, p.Leu1038Phe (NM_001407685.1, NM_001407686.1, NM_001407687.1 and 11 more transcripts); c.3099G>T, p.Leu1033Phe (NM_001407692.1, NM_001407694.1, NM_001407695.1 and 29 more transcripts); c.3096G>T, p.Leu1032Phe (NM_001407740.1, NM_001407741.1, NM_001407742.1 and 20 more transcripts); c.3027G>T, p.Leu1009Phe (NM_001407853.1, NM_001407894.1, NM_001407895.1 and 9 more transcripts); c.3237G>T, p.Leu1079Phe (NM_001407860.1, NM_001407861.1, NM_001407587.1 and 22 more transcripts); c.3039G>T, p.Leu1013Phe (NM_001407862.1); and 41 more; short protein forms L1033F, L1080F, L1009F, L1039F, L952F, L1012F, L968F, L1032F.
Identifiers: ClinVar variation 1492698 (VCV001492698.10), dbSNP rs2154335204, ClinGen allele CA10595502.
Genomic context (GRCh38, chr17:43,092,291, plus strand): 5'-TCCAGGAAGACTTTGTTTATAGACCTCAGGTTGCAAAACCCCTAATCTAAGCATAGCATT[C>A]AATTTTGGCCCTCTGTTTCTACCTAGTTCTGCTTGAATGTTTTCATCACTGGAACCTATT-3'
Protein context (NP_009225.1, residues 1070-1090): AELGRNRGPK[Leu1080Phe]NAMLRLGVLQ

ClinVar aggregate classification (germline): Conflicting classifications of pathogenicity. Review status: criteria provided, conflicting classifications (1 of 4 stars). 3 submissions from 3 submitters: Uncertain significance (2); Likely benign (1). Last evaluated 2026-04-28.

Conditions:
Hereditary breast ovarian cancer syndrome. Also called: Hereditary breast and ovarian cancer; Breast and ovarian cancer; Hereditary breast and/or ovarian cancer syndrome; Hereditary breast and ovarian cancer syndrome; Hereditary breast and ovarian cancer syndrome (HBOC); BRCA1- and BRCA2-Associated Hereditary Breast and Ovarian Cancer. Identifiers: Orphanet 145, MedGen C0677776, MeSH D061325, MONDO:0003582. Disease mechanism: loss of function.
Hereditary cancer-predisposing syndrome. Also called: Tumor predisposition; Neoplastic Syndromes, Hereditary; Hereditary Cancer Syndrome; Hereditary neoplastic syndrome. Identifiers: Orphanet 140162, MedGen C0027672, MeSH D009386, MONDO:0015356.

Submissions (3):

Ambry Genetics
Classification: Uncertain significance for Hereditary cancer-predisposing syndrome. Last evaluated: 2026-04-28. Review status: criteria provided, single submitter. Criteria: Ambry Variant Classification Scheme 2023. Collection method: clinical testing. Allele origin: germline.
Comment: The p.L1080F variant (also known as c.3240G>T), located in coding exon 9 of the BRCA1 gene, results from a G to T substitution at nucleotide position 3240. The leucine at codon 1080 is replaced by phenylalanine, an amino acid with highly similar properties. This amino acid position is conserved. In addition, the in silico prediction for this alteration is inconclusive. Based on the available evidence, the clinical significance of this variant remains unclear.

University of Washington Department of Laboratory Medicine, University of Washington
Classification: Likely benign for Hereditary cancer-predisposing syndrome. Last evaluated: 2023-03-23. Review status: criteria provided, single submitter. Criteria: Dines et al. (Genet Med. 2020). Collection method: curation. Allele origin: germline.
Comment: Missense variant in a coldspot region where missense variants are very unlikely to be pathogenic (PMID:31911673).

BRCA1 coldspot (exon 11 using historical exon numbering). Reclassification based on statistical prior probability

Labcorp Genetics (formerly Invitae), Labcorp
Classification: Uncertain significance for Hereditary breast ovarian cancer syndrome. Last evaluated: 2021-09-25. Review status: criteria provided, single submitter. Criteria: Invitae Variant Classification Sherloc (09022015). Collection method: clinical testing. Allele origin: germline.
Comment: This variant has not been reported in the literature in individuals affected with BRCA1-related conditions. In summary, the available evidence is currently insufficient to determine the role of this variant in disease. Therefore, it has been classified as a Variant of Uncertain Significance. Advanced modeling of protein sequence and biophysical properties (such as structural, functional, and spatial information, amino acid conservation, physicochemical variation, residue mobility, and thermodynamic stability) performed at Invitae indicates that this missense variant is not expected to disrupt BRCA1 protein function. This variant is not present in population databases (ExAC no frequency). This sequence change replaces leucine with phenylalanine at codon 1080 of the BRCA1 protein (p.Leu1080Phe). The leucine residue is moderately conserved and there is a small physicochemical difference between leucine and phenylalanine.